The following is an entry in ClinVar:

ClinVar aggregate classification (germline): Uncertain significance (1 of 4 stars; one submission).

Allele frequency attached by ClinVar (database versions not stated): gnomAD exomes below 0.00001; TOPMed below 0.00001; ExAC 0.00001; gnomAD 0.00001.
gnomAD v4.1: 7 of 1,613,698 alleles (0.00043%); highest among the groups gnomAD compares: Non-Finnish European, 0.00059%; no homozygotes.

Submission:

Labcorp Genetics (formerly Invitae), Labcorp
Classification: Uncertain significance. Last evaluated: 2024-09-10. Review status: criteria provided, single submitter. Criteria: Invitae Variant Classification Sherloc (09022015). Collection method: clinical testing. Allele origin: germline.
Comment: This sequence change replaces glycine, which is neutral and non-polar, with arginine, which is basic and polar, at codon 69 of the CFH protein (p.Gly69Arg). This variant is present in population databases (rs760619101, gnomAD 0.002%). This variant has not been reported in the literature in individuals affected with CFH-related conditions. An algorithm developed to predict the effect of missense changes on protein structure and function (PolyPhen-2) suggests that this variant is likely to be disruptive. In summary, the available evidence is currently insufficient to determine the role of this variant in disease. Therefore, it has been classified as a Variant of Uncertain Significance.

NM_000186.4(CFH):c.205G>C (p.Gly69Arg)

Gene: CFH (complement factor H; plus strand). Cytogenetic location: 1q31.3.
Variant type: single nucleotide variant.
Coding change: c.205G>C on transcript NM_000186.4 (MANE Select); coding-DNA position 205, G replaced by C.
Protein change: p.Gly69Arg; replaces glycine 69 with arginine.
Molecular consequence: missense variant.
Genome position (GRCh38, 1-based): chr1:196,673,124, G>C. VCF-style: chr1-196673124-G-C. GRCh37 (hg19) VCF-style: chr1-196642254-G-C.
Other names: c.205G>C, p.Gly69Arg (NM_001014975.3); short protein forms G69R.
Identifiers: ClinVar variation 2880585 (VCV002880585.3), dbSNP rs760619101, ClinGen allele CA1304964.